The following is an entry in ClinVar:

ClinVar aggregate classification (germline): Uncertain significance (1 of 4 stars; one submission).

Submission:

GeneDx
Classification: Uncertain significance. Last evaluated: 2023-04-09. Review status: criteria provided, single submitter. Criteria: GeneDx Variant Classification Process June 2021. Collection method: clinical testing. Allele origin: germline. Affected: yes.
Comment: Not observed at significant frequency in large population cohorts (gnomAD); In silico analysis supports that this missense variant has a deleterious effect on protein structure/function; Has not been previously published as pathogenic or benign to our knowledge

NM_016284.5(CNOT1):c.3476C>A (p.Pro1159His)

Gene: CNOT1 (CCR4-NOT transcription complex subunit 1; minus strand). Cytogenetic location: 16q21.
Variant type: single nucleotide variant.
Coding change: c.3476C>A on transcript NM_016284.5 (MANE Select); coding-DNA position 3476, C replaced by A.
Protein change: p.Pro1159His; replaces proline 1159 with histidine.
Molecular consequence: missense variant. On other transcripts: non-coding transcript variant (1).
Genome position (GRCh38, 1-based): chr16:58,549,765, G>T on the plus strand (C>A on the coding strand, the complement: CNOT1 is on the minus strand). VCF-style: chr16-58549765-G-T. GRCh37 (hg19) VCF-style: chr16-58583669-G-T.
Other names: c.3461C>A, p.Pro1154His (NM_001265612.2); c.3476C>A, p.Pro1159His (NM_206999.3); short protein forms P1154H, P1159H.
Identifiers: ClinVar variation 3342981 (VCV003342981.1).